The following is an entry in ClinVar:

ClinVar aggregate classification (germline): Uncertain significance. Review status: criteria provided, multiple submitters, no conflicts (2 of 4 stars). 3 submissions from 3 submitters: Uncertain significance (3). Last evaluated 2025-12-29.

Conditions:
Hereditary cancer-predisposing syndrome. Also called: Hereditary neoplastic syndrome; Tumor predisposition; Neoplastic Syndromes, Hereditary; Hereditary Cancer Syndrome. Identifiers: Orphanet 140162, MedGen C0027672, MeSH D009386, MONDO:0015356.

Submissions (3):

Center for Genomic Medicine, Rigshospitalet, Copenhagen University Hospital
Classification: Uncertain significance. Last evaluated: 2025-12-29. Review status: criteria provided, single submitter. Criteria: ACMG Guidelines, 2015. Collection method: clinical testing. Allele origin: germline.

Labcorp Genetics (formerly Invitae), Labcorp
Classification: Uncertain significance. Last evaluated: 2025-12-20. Review status: criteria provided, single submitter. Criteria: Invitae Variant Classification Sherloc (09022015). Collection method: clinical testing. Allele origin: germline.
Comment: This sequence change replaces glutamine, which is neutral and polar, with tryptophan, which is neutral and slightly polar, at codon 949 of the MSH3 protein (p.Gln949Trp). The frequency data for this variant in the population databases is considered unreliable, as metrics indicate poor data quality at this position in the gnomAD database. This variant has not been reported in the literature in individuals affected with MSH3-related conditions. ClinVar contains an entry for this variant (Variation ID: 657286). An algorithm developed to predict the effect of missense changes on protein structure and function (PolyPhen-2) suggests that this variant is likely to be disruptive. In summary, the available evidence is currently insufficient to determine the role of this variant in disease. Therefore, it has been classified as a Variant of Uncertain Significance.

Ambry Genetics
Classification: Uncertain significance for Hereditary cancer-predisposing syndrome. Last evaluated: 2025-04-19. Review status: criteria provided, single submitter. Criteria: Ambry Variant Classification Scheme 2023. Collection method: clinical testing. Allele origin: germline.
Comment: The c.2845_2846delCAinsTG variant (also known as p.Q949W), located in coding exon 21 of the MSH3 gene, results from an in-frame deletion of CA and insertion of TG at nucleotide positions 2845 to 2846. This results in the substitution of the glutamine residue for a tryptophan residue at codon 949, an amino acid with dissimilar properties. This amino acid position is poorly conserved in available vertebrate species. Based on the available evidence, the clinical significance of this variant remains unclear.

NM_002439.5(MSH3):c.2845_2846inv (p.Gln949Trp)

Gene: MSH3 (mutS homolog 3; plus strand). Cytogenetic location: 5q14.1.
Variant type: Inversion.
Coding change: c.2845_2846inv on transcript NM_002439.5 (MANE Select).
Protein change: p.Gln949Trp; replaces glutamine 949 with tryptophan.
Molecular consequence: missense variant.
Genome position: GRCh38 VCF-style: chr5-80854161-CA-TG. GRCh37 (hg19) VCF-style: chr5-80149980-CA-TG.
Other names: c.2845_2846delinsTG (NM_002439.4, NM_002439.5); short protein forms Q949W.
Identifiers: ClinVar variation 657286 (VCV000657286.13), ClinGen allele CA915943373.